The following is an entry in ClinVar:

ClinVar aggregate classification (germline): Conflicting classifications of pathogenicity. Review status: criteria provided, conflicting classifications (1 of 4 stars). 13 submissions from 12 submitters: Uncertain significance (5); Benign (2); Likely benign (5). 1 of the submissions does not count toward it. Last evaluated 2026-01-26.

Conditions:
SH3TC2-related disorder. Also called: SH3TC2-related disorders; SH3TC2-related condition. Identifiers: MedGen CN239303.
Inborn genetic diseases. Identifiers: MedGen C0950123, MeSH D030342.
Charcot-Marie-Tooth disease. Also called: Charcot-Marie-Tooth Hereditary Neuropathy; Charcot-Marie-Tooth Neuropathy. Identifiers: Orphanet 166, MedGen C0007959, MONDO:0015626.
Charcot-Marie-Tooth disease type 4. Also called: Charcot-Marie-Tooth disease, type IV; Charcot-Marie-Tooth, Type 4. Identifiers: Orphanet 64749, MedGen C4082197, MONDO:0018995.
Charcot-Marie-Tooth disease type 4C (CMT4C). Also called: SH3TC2-Related Hereditary Motor and Sensory Neuropathy; CMT 4C; Charcot-Marie-Tooth Neuropathy Type 4C (CMT4C); CHARCOT-MARIE-TOOTH DISEASE, DEMYELINATING, TYPE 4C; CHARCOT-MARIE-TOOTH DISEASE, DEMYELINATING, AUTOSOMAL RECESSIVE, TYPE 4C. Identifiers: Orphanet 99949, MedGen C1866636, MONDO:0011113, OMIM 601596.
Susceptibility to mononeuropathy of the median nerve, mild. Also called: CARPAL TUNNEL SYNDROME, SUSCEPTIBILITY TO. Identifiers: MedGen C3150596, MONDO:0013237, OMIM 613353.

Allele frequency attached by ClinVar (database versions not stated): 1000 Genomes Project 30x 0.00031; 1000 Genomes Project 0.00040; gnomAD exomes 0.00048 and 0.00088; ExAC 0.00067; gnomAD 0.00080 and 0.00086; TOPMed 0.00110; ESP Exome Variant Server 0.00115.
gnomAD v4.1: 891 of 1,613,722 alleles (0.055%); highest among the groups gnomAD compares: Middle Eastern, 0.25%; 1 homozygote.

Submissions (13):

Labcorp Genetics (formerly Invitae), Labcorp
Classification: Benign for Charcot-Marie-Tooth disease type 4. Last evaluated: 2026-01-26. Review status: criteria provided, single submitter. Criteria: Invitae Variant Classification Sherloc (09022015). Collection method: clinical testing. Allele origin: germline.

ARUP Laboratories, Molecular Genetics and Genomics, ARUP Laboratories
Classification: Likely benign. Last evaluated: 2025-04-17. Review status: criteria provided, single submitter. Criteria: ARUP Molecular Germline Variant Investigation Process 2024. Collection method: clinical testing. Allele origin: germline.

Women's Health and Genetics/Laboratory Corporation of America, LabCorp
Classification: Likely benign. Last evaluated: 2025-04-02. Review status: criteria provided, single submitter. Criteria: LabCorp Variant Classification Summary - May 2015. Collection method: clinical testing. Allele origin: germline.
Comment: Variant summary: SH3TC2 c.689T>C (p.Val230Ala) results in a non-conservative amino acid change in the encoded protein sequence. Three of five in-silico tools predict a damaging effect of the variant on protein function. The variant allele was found at a frequency of 0.00055 in 1613722 control chromosomes, predominantly at a frequency of 0.0098 within the Ashkenazi Jewish subpopulation in the gnomAD database, including 1 homozygotes. The observed variant frequency within Ashkenazi Jewish control individuals in the gnomAD database (v4) exceeds the estimated maximal expected allele frequency for a pathogenic variant in SH3TC2 causing Charcot-Marie-Tooth disease type 4C phenotype. To our knowledge, no occurrence of c.689T>C in individuals affected with Charcot-Marie-Tooth disease type 4C and no experimental evidence demonstrating its impact on protein function have been reported. ClinVar contains an entry for this variant (Variation ID: 219388). Based on the evidence outlined above, the variant was classified as likely benign.

Blueprint Genetics
Classification: Uncertain significance. Last evaluated: 2024-10-14. Review status: criteria provided, single submitter. Criteria: ACMG Guidelines, 2015. Collection method: clinical testing. Allele origin: germline.

Athena Diagnostics
Classification: Benign. Last evaluated: 2021-04-27. Review status: criteria provided, single submitter. Criteria: Athena Diagnostics criteria. Collection method: clinical testing. Allele origin: unknown.

Ambry Genetics
Classification: Likely benign for Inborn genetic diseases. Last evaluated: 2021-03-19. Review status: criteria provided, single submitter. Criteria: Ambry Variant Classification Scheme 2023. Collection method: clinical testing. Allele origin: germline.

CeGaT Center for Human Genetics Tuebingen
Classification: Uncertain significance. Last evaluated: 2018-09-01. Review status: criteria provided, single submitter. Criteria: CeGaT Center For Human Genetics Tuebingen Variant Classification Criteria Version 2. Collection method: clinical testing. Allele origin: germline. Affected: yes. Observed: 1 variant allele.

Illumina Laboratory Services, Illumina
Classification: Likely benign for Susceptibility to mononeuropathy of the median nerve, mild. Last evaluated: 2018-01-13. Review status: criteria provided, single submitter. Criteria: ICSL Variant Classification Criteria 13 December 2019. Collection method: clinical testing. Allele origin: germline.
Comment: This variant was observed in the ICSL laboratory as part of a predisposition screen in an ostensibly healthy population. It had not been previously curated by ICSL or reported in the Human Gene Mutation Database (HGMD: prior to June 1st, 2018), and was therefore a candidate for classification through an automated scoring system. Utilizing variant allele frequency, disease prevalence and penetrance estimates, and inheritance mode, an automated score was calculated to assess if this variant is too frequent to cause the disease. Based on the score and internal cut-off values, a variant classified as likely benign is not then subjected to further curation. The score for this variant resulted in a classification of likely benign for this disease.

Illumina Laboratory Services, Illumina
Classification: Uncertain significance for Charcot-Marie-Tooth disease type 4C. Last evaluated: 2018-01-13. Review status: criteria provided, single submitter. Criteria: ICSL Variant Classification Criteria 13 December 2019. Collection method: clinical testing. Allele origin: germline.

GeneDx
Classification: Likely benign. Last evaluated: 2018-01-12. Review status: criteria provided, single submitter. Criteria: GeneDx Variant Classification (06012015). Collection method: clinical testing. Allele origin: germline. Affected: yes.
Comment: This variant is considered likely benign or benign based on one or more of the following criteria: it is a conservative change, it occurs at a poorly conserved position in the protein, it is predicted to be benign by multiple in silico algorithms, and/or has population frequency not consistent with disease.

Eurofins Ntd Llc (ga)
Classification: Uncertain significance. Last evaluated: 2016-11-02. Review status: criteria provided, single submitter. Criteria: EGL Classification Definitions 2015. Collection method: clinical testing. Allele origin: germline. Observed: 1 variant allele, 1 heterozygote.

Molecular Genetics Laboratory, London Health Sciences Centre
Classification: Uncertain significance for Charcot-Marie-Tooth disease. Review status: criteria provided, single submitter. Criteria: ACMG Guidelines, 2015. Collection method: clinical testing. Allele origin: germline. Affected: yes.

PreventionGenetics, part of Exact Sciences
Classification: Benign for SH3TC2-related condition. Last evaluated: 2019-06-03. Review status: no assertion criteria provided. Collection method: clinical testing. Allele origin: germline. Not counted in ClinVar's aggregate classification.
Comment: This variant is classified as benign based on ACMG/AMP sequence variant interpretation guidelines (Richards et al. 2015 PMID: 25741868, with internal and published modifications).

NM_024577.4(SH3TC2):c.689T>C (p.Val230Ala)

Gene: SH3TC2 (SH3 domain and tetratricopeptide repeats 2; minus strand). Cytogenetic location: 5q32.
Variant type: single nucleotide variant.
Coding change: c.689T>C on transcript NM_024577.4 (MANE Select); coding-DNA position 689, T replaced by C.
Protein change: p.Val230Ala; replaces valine 230 with alanine.
Molecular consequence: missense variant.
Genome position (GRCh38, 1-based): chr5:149,041,458, A>G on the plus strand (T>C on the coding strand, the complement: SH3TC2 is on the minus strand). VCF-style: chr5-149041458-A-G. GRCh37 (hg19) VCF-style: chr5-148421021-A-G.
Other names: short protein forms V230A.
Identifiers: ClinVar variation 219388 (VCV000219388.69), dbSNP rs148634904, ClinGen allele CA349654.